The following is an entry in ClinVar:

NC_000012.12:g.121641131G>A

Gene: ORAI1 (ORAI calcium release-activated calcium modulator 1; plus strand). Cytogenetic location: 12q24.31.
Variant type: single nucleotide variant.
Genome position: GRCh38 VCF-style: chr12-121641131-G-A. GRCh37 (hg19) VCF-style: chr12-122079037-G-A.
Other names: c.394G>A, p.Ala132Thr (NM_032790.4); short protein forms A132T.
Identifiers: ClinVar variation 1477338 (VCV001477338.6), dbSNP rs2136852590, ClinGen allele CA386983036.

ClinVar aggregate classification (germline): Uncertain significance (1 of 4 stars; one submission).

Conditions:
Combined immunodeficiency due to ORAI1 deficiency. Also called: IMMUNODEFICIENCY 9. Identifiers: Orphanet 169090, Orphanet 317428, MedGen C2748568, MONDO:0013007, OMIM 612782.
Myopathy, tubular aggregate, 2 (TAM2). Identifiers: MedGen C4014557, MONDO:0014383, OMIM 615883.

Submission:

Labcorp Genetics (formerly Invitae), Labcorp
Classification: Uncertain significance for Myopathy, tubular aggregate, 2; Combined immunodeficiency due to ORAI1 deficiency. Last evaluated: 2021-02-19. Review status: criteria provided, single submitter. Criteria: Invitae Variant Classification Sherloc (09022015). Collection method: clinical testing. Allele origin: germline.
Comment: Experimental studies and prediction algorithms are not available or were not evaluated, and the functional significance of this variant is currently unknown. This variant has not been reported in the literature in individuals with ORAI1-related conditions. This variant is not present in population databases (ExAC no frequency). In summary, the available evidence is currently insufficient to determine the role of this variant in disease. Therefore, it has been classified as a Variant of Uncertain Significance. This sequence change replaces alanine with threonine at codon 132 of the ORAI1 protein (p.Ala132Thr). The alanine residue is highly conserved and there is a small physicochemical difference between alanine and threonine.